The following is an entry in ClinVar:

GRCh38/hg38 5q35.1-35.2(chr5:172776798-174342969)x1

Genes: ATP6V0E1 (ATPase H+ transporting V0 subunit e1; plus strand), BNIP1 (BCL2 interacting protein 1; plus strand), BOD1 (biorientation of chromosomes in cell division 1; minus strand), C5orf47 (chromosome 5 open reading frame 47; plus strand), CPEB4 (cytoplasmic polyadenylation element binding protein 4; plus strand) and 89 more. Cytogenetic location: 5q35.1-35.2.
Variant type: copy number loss.
Change: copy number 1 (one copy instead of two) of chr5:172,776,798-174,342,969 (1.57 Mb, GRCh38 coordinates, 1-based), cytogenetic band 5q35.1-35.2.
Identifiers: ClinVar variation 58395 (VCV000058395.1).

ClinVar aggregate classification (germline): Pathogenic (1 of 4 stars; one submission).

Submission:

ISCA site 14
Classification: Pathogenic. Last evaluated: 2011-08-12. Review status: criteria provided, single submitter. Criteria: Kaminsky et al. (Genet Med. 2011). Collection method: clinical testing. Allele origin: unknown. Affected: yes. Observed: 1 variant allele.
Comment: Copy number variation identified through the course of routine clinical cytogenomic testing in postnatal populations. Clinical assertions have been curated as described in Kaminsky et al. 2011.